The following is an entry in ClinVar:

ClinVar aggregate classification (germline): Benign/Likely benign. Review status: criteria provided, multiple submitters, no conflicts (2 of 4 stars). 6 submissions from 6 submitters: Benign (1); Likely benign (4). 1 of the submissions does not count toward it. Last evaluated 2026-04-15.

Conditions:
DICER1-related disorder. Also called: DICER1-related condition.
Hereditary cancer-predisposing syndrome. Also called: Neoplastic Syndromes, Hereditary; Hereditary Cancer Syndrome; Tumor predisposition; Hereditary neoplastic syndrome. Identifiers: Orphanet 140162, MedGen C0027672, MeSH D009386, MONDO:0015356.
DICER1-related tumor predisposition. Also called: DICER1 syndrome; DICER1-related pleuropulmonary blastoma cancer predisposition syndrome. Identifiers: Orphanet 284343, MedGen C3839822, MONDO:0100216.

Allele frequency attached by ClinVar (database versions not stated): gnomAD exomes 0.00001 and 0.00002; ExAC 0.00002.
gnomAD v4.1: 14 of 1,614,016 alleles (0.00087%); highest among the groups gnomAD compares: South Asian, 0.0011%; no homozygotes.

Submissions (6):

Myriad Genetics, Inc.
Classification: Benign for DICER1-related tumor predisposition. Last evaluated: 2026-04-15. Review status: criteria provided, single submitter. Criteria: Myriad Autosomal Dominant, Autosomal Recessive and X-Linked Classification Criteria (2023). Collection method: clinical testing. Allele origin: unknown.
Comment: This variant is considered benign. This variant is a silent/synonymous amino acid change and it is not expected to impact splicing.

CeGaT Center for Human Genetics Tuebingen
Classification: Likely benign. Last evaluated: 2026-04-01. Review status: criteria provided, single submitter. Criteria: CeGaT Center For Human Genetics Tuebingen Variant Classification Criteria Version 2. Collection method: clinical testing. Allele origin: germline. Affected: yes. Observed: 1 variant allele.
Comment: DICER1: BP4, BP7

Labcorp Genetics (formerly Invitae), Labcorp
Classification: Likely benign for DICER1-related tumor predisposition. Last evaluated: 2025-12-20. Review status: criteria provided, single submitter. Criteria: Invitae Variant Classification Sherloc (09022015). Collection method: clinical testing. Allele origin: germline.

Hereditary Cancer Group, L’Institut d'Investigació Biomèdica de Bellvitge
Classification: Likely benign for Hereditary cancer-predisposing syndrome. Last evaluated: 2024-12-19. Review status: criteria provided, single submitter. Criteria: Hatton et al. (Hum Mutat. 2023). Collection method: clinical testing. Allele origin: germline. Inheritance: Autosomal dominant inheritance. Affected: yes.
Comment: BP4, BP7

Ambry Genetics
Classification: Likely benign for Hereditary cancer-predisposing syndrome. Last evaluated: 2017-11-27. Review status: criteria provided, single submitter. Criteria: Ambry Variant Classification Scheme 2023. Collection method: clinical testing. Allele origin: germline.

PreventionGenetics, part of Exact Sciences
Classification: Likely benign for DICER1-related condition. Last evaluated: 2019-10-25. Review status: no assertion criteria provided. Collection method: clinical testing. Allele origin: germline. Not counted in ClinVar's aggregate classification.
Comment: This variant is classified as likely benign based on ACMG/AMP sequence variant interpretation guidelines (Richards et al. 2015 PMID: 25741868, with internal and published modifications).

NM_177438.3(DICER1):c.1191C>T (p.Ser397=)

Gene: DICER1 (dicer 1, ribonuclease III; minus strand). Cytogenetic location: 14q32.13.
Variant type: single nucleotide variant.
Coding change: c.1191C>T on transcript NM_177438.3 (MANE Select); coding-DNA position 1191, C replaced by T.
Protein change: p.Ser397=; no amino-acid change (serine 397 retained).
Molecular consequence: synonymous variant.
Genome position (GRCh38, 1-based): chr14:95,124,381, G>A on the plus strand (C>T on the coding strand, the complement: DICER1 is on the minus strand). VCF-style: chr14-95124381-G-A. GRCh37 (hg19) VCF-style: chr14-95590718-G-A.
Other names: c.1191C>T, p.Ser397= (NM_001195573.1, NM_001271282.3, NM_001291628.2 and 1 more transcripts).
Identifiers: ClinVar variation 220752 (VCV000220752.22), dbSNP rs780067844, ClinGen allele CA348480.